The following is an entry in ClinVar:

NM_001386135.1(AFF3):c.2856G>A (p.Pro952=)

Gene: AFF3 (ALF transcription elongation factor 3; minus strand). Cytogenetic location: 2q11.2.
Variant type: single nucleotide variant.
Coding change: c.2856G>A on transcript NM_001386135.1 (MANE Select); coding-DNA position 2856, G replaced by A.
Protein change: p.Pro952=; no amino-acid change (proline 952 retained).
Molecular consequence: synonymous variant.
Genome position (GRCh38, 1-based): chr2:99,578,389, C>T on the plus strand (G>A on the coding strand, the complement: AFF3 is on the minus strand). VCF-style: chr2-99578389-C-T. GRCh37 (hg19) VCF-style: chr2-100194851-C-T.
Other names: c.2856G>A (NM_002285.2); c.2931G>A, p.Pro977= (NM_001025108.2); c.2856G>A, p.Pro952= (NM_002285.3).
Identifiers: ClinVar variation 2651185 (VCV002651185.24), dbSNP rs752482037, ClinGen allele CA1800758.

ClinVar aggregate classification (germline): Likely benign. Review status: criteria provided, single submitter (1 of 4 stars). 2 submissions from 2 submitters: Likely benign (1). 1 of the submissions does not count toward it. Last evaluated 2022-12-01.

Conditions:
AFF3-related disorder. Also called: AFF3-related condition.

Allele frequency attached by ClinVar (database versions not stated): ExAC 0.00002; gnomAD 0.00002; gnomAD exomes 0.00002; TOPMed 0.00002.
gnomAD v4.1: 34 of 1,610,840 alleles (0.0021%); highest among the groups gnomAD compares: South Asian, 0.013%; no homozygotes.

Submissions (2):

CeGaT Center for Human Genetics Tuebingen
Classification: Likely benign. Last evaluated: 2022-12-01. Review status: criteria provided, single submitter. Criteria: CeGaT Center For Human Genetics Tuebingen Variant Classification Criteria Version 2. Collection method: clinical testing. Allele origin: germline. Affected: yes. Observed: 1 variant allele.
Comment: AFF3: BP4, BP7

PreventionGenetics, part of Exact Sciences
Classification: Likely benign for AFF3-related condition. Last evaluated: 2019-06-12. Review status: no assertion criteria provided. Collection method: clinical testing. Allele origin: germline. Not counted in ClinVar's aggregate classification.
Comment: This variant is classified as likely benign based on ACMG/AMP sequence variant interpretation guidelines (Richards et al. 2015 PMID: 25741868, with internal and published modifications).